The following is an entry in ClinVar:

ClinVar aggregate classification (germline): Conflicting classifications of pathogenicity. Review status: criteria provided, conflicting classifications (1 of 4 stars). 5 submissions from 5 submitters: Uncertain significance (4); Likely benign (1). Last evaluated 2025-05-08.

Conditions:
COL6A2-related disorder.
Bethlem myopathy 1A. Also called: MYOPATHY, BENIGN CONGENITAL, WITH CONTRACTURES; Bethlem myopathy 1; Bethlem Muscular Dystrophy. Identifiers: Orphanet 610, MedGen CN029274, MONDO:0024530, OMIM 158810.

Allele frequency attached by ClinVar (database versions not stated): gnomAD 0.00005 and 0.00006; TOPMed 0.00005; ESP Exome Variant Server 0.00023.

Submissions (5):

PreventionGenetics, part of Exact Sciences
Classification: Uncertain significance for COL6A2-related condition. Last evaluated: 2025-05-08. Review status: criteria provided, single submitter. Criteria: ACMG Guidelines, 2015. Collection method: clinical testing. Allele origin: germline.
Comment: The COL6A2 c.1702C>T variant is predicted to result in the amino acid substitution p.Pro568Ser. This variant was reported in an individual with limb girdle muscular dystrophy, without further evidence for pathogenicity (Nallamilli et al. 2018. PubMed ID: 30564623). This variant is reported in 0.0047% of alleles in individuals of European (Non-Finnish) descent in gnomAD. At this time, the clinical significance of this variant is uncertain due to the absence of conclusive functional and genetic evidence.

Labcorp Genetics (formerly Invitae), Labcorp
Classification: Likely benign for Bethlem myopathy 1A. Last evaluated: 2024-08-29. Review status: criteria provided, single submitter. Criteria: Invitae Variant Classification Sherloc (09022015). Collection method: clinical testing. Allele origin: germline.

GeneDx
Classification: Uncertain significance. Last evaluated: 2024-08-09. Review status: criteria provided, single submitter. Criteria: GeneDx Variant Classification Process June 2021. Collection method: clinical testing. Allele origin: germline. Affected: yes.
Comment: Reported previously as a variant of uncertain significance in a patient with suspected LGMD; however, no further clinical information was provided (PMID: 30564623); In silico analysis indicates that this missense variant does not alter protein structure/function; This variant is associated with the following publications: (PMID: 30564623)

Revvity Omics, Revvity
Classification: Uncertain significance. Last evaluated: 2019-12-29. Review status: criteria provided, single submitter. Criteria: ACMG Guidelines, 2015. Collection method: clinical testing. Allele origin: germline.

Eurofins Ntd Llc (ga)
Classification: Uncertain significance. Last evaluated: 2016-09-18. Review status: criteria provided, single submitter. Criteria: EGL Classification Definitions 2015. Collection method: clinical testing. Allele origin: germline. Observed: 1 variant allele, 1 heterozygote.

NM_001849.4(COL6A2):c.1702C>T (p.Pro568Ser)

Gene: COL6A2 (collagen type VI alpha 2 chain; plus strand). Cytogenetic location: 21q22.3.
Variant type: single nucleotide variant.
Coding change: c.1702C>T on transcript NM_001849.4 (MANE Select); coding-DNA position 1702, C replaced by T.
Protein change: p.Pro568Ser; replaces proline 568 with serine.
Molecular consequence: missense variant.
Genome position (GRCh38, 1-based): chr21:46,124,681, C>T. VCF-style: chr21-46124681-C-T. GRCh37 (hg19) VCF-style: chr21-47544595-C-T.
Other names: c.1702C>T, p.Pro568Ser (NM_058174.3, NM_058175.3); short protein forms P568S.
Identifiers: ClinVar variation 290313 (VCV000290313.19), dbSNP rs140097446, ClinGen allele CA10072121.
Genomic context (GRCh38, chr21:46,124,681, plus strand): 5'-TGAAGCCCACCTGTTCTTGTTCCTTCTCAGGCGGATCCTGGTCCCCCTGGTGAGCCAGGC[C>T]CTCGGGGGCCAAGAGGAGTCCCAGGACCCGAGGTAGGTTGGTGGCCAGTCCCCATGCCCT-3'
Protein context (NP_001840.3, residues 558-578): ADPGPPGEPG[Pro568Ser]RGPRGVPGPE